The following is an entry in ClinVar:

NM_001368894.2(PAX6):c.445C>T (p.Gln149Ter)

Gene: PAX6 (paired box 6; minus strand). Cytogenetic location: 11p13.
Variant type: single nucleotide variant.
Coding change: c.445C>T on transcript NM_001368894.2 (MANE Select); coding-DNA position 445, C replaced by T.
Protein change: p.Gln149Ter; replaces glutamine 149 with a stop codon.
Molecular consequence: nonsense. On other transcripts: 5 prime UTR variant (14), non-coding transcript variant (2).
Genome position (GRCh38, 1-based): chr11:31,800,811, G>A on the plus strand (C>T on the coding strand, the complement: PAX6 is on the minus strand). VCF-style: chr11-31800811-G-A. GRCh37 (hg19) VCF-style: chr11-31822359-G-A.
Other names: c.403C>T, p.Gln135Ter (NM_000280.6, NM_001127612.3, NM_001258464.2 and 10 more transcripts); c.445C>T, p.Gln149Ter (NM_001258462.3, NM_001258463.2, NM_001310158.2 and 6 more transcripts); c.-6C>T (NM_001310160.2, NM_001310161.3, NM_001368899.2 and 11 more transcripts); c.646C>T, p.Gln216Ter (NM_001368910.2); c.448C>T, p.Gln150Ter (NM_001368911.2); c.520C>T, p.Gln174Ter (NM_001368918.2, NM_001368919.2); c.478C>T, p.Gln160Ter (NM_001368920.2); c.244C>T, p.Gln82Ter (NM_001368921.2, NM_001368922.2, NM_001368923.2 and 4 more transcripts); and 1 more; short protein forms Q135*, Q149*, Q150*, Q160*, Q174*, Q216*, Q68*, Q82*.
Identifiers: ClinVar variation 430994 (VCV000430994.11), dbSNP rs1131692304, ClinGen allele CA379958293.

ClinVar aggregate classification (germline): Pathogenic. Review status: criteria provided, multiple submitters, no conflicts (2 of 4 stars). 4 submissions from 4 submitters: Pathogenic (3). 1 of the submissions does not count toward it. Last evaluated 2023-07-17.

Conditions:
PAX6-related disorder. Also called: PAX6-related disorders; PAX6-related condition.
Aniridia 1 (AN1). Identifiers: Orphanet 250923, MedGen C0344542, MONDO:0024507, OMIM 106210.
Irido-corneo-trabecular dysgenesis (ASGD5). Also called: ANTERIOR SEGMENT DYSGENESIS 5. Identifiers: Orphanet 708, MedGen C0344559, MONDO:0011414, OMIM 604229, HP:0000659.

Submissions (4):

Blueprint Genetics
Classification: Pathogenic for PAX6-related disorders. Last evaluated: 2023-07-17. Review status: criteria provided, single submitter. Criteria: ACMG Guidelines, 2015. Collection method: clinical testing. Allele origin: germline. Affected: yes. Observed: 1 variant allele.

Institute of Human Genetics, University of Leipzig Medical Center
Classification: Pathogenic for Aniridia 1. Last evaluated: 2023-01-24. Review status: criteria provided, single submitter. Criteria: ACMG Guidelines, 2015. Collection method: clinical testing. Allele origin: unknown. Affected: yes.
Comment: _x000D_ Criteria applied: PVS1, PS4_MOD, PM2_SUP

Labcorp Genetics (formerly Invitae), Labcorp
Classification: Pathogenic for Aniridia 1; Irido-corneo-trabecular dysgenesis. Last evaluated: 2018-01-22. Review status: criteria provided, single submitter. Criteria: Invitae Variant Classification Sherloc (09022015). Collection method: clinical testing. Allele origin: germline.
Comment: This variant is not present in population databases (ExAC no frequency). For these reasons, this variant has been classified as Pathogenic. Loss-of-function variants in PAX6 are known to be pathogenic (PMID: 12634864). Algorithms developed to predict the effect of sequence changes on RNA splicing suggest that this variant may create or strengthen a splice site, but this prediction has not been confirmed by published transcriptional studies. This variant has been reported in individuals affected with aniridia (PMID: 28321846, 9482572). This variant is also known as c.765C>T in the literature. ClinVar contains an entry for this variant (Variation ID: 430994). This sequence change creates a premature translational stop signal (p.Gln135*) in the PAX6 gene. It is expected to result in an absent or disrupted protein product.

Laboratory of Genetic Epidemiology, Research Centre for Medical Genetics
Classification: Pathogenic for Aniridia 1. Review status: no assertion criteria provided. Collection method: research. Allele origin: maternal. Inheritance: Autosomal dominant inheritance. Affected: yes. Observed: 1 heterozygote. Not counted in ClinVar's aggregate classification.

Literature cited by the submitters: PubMed 12634864 (cited by Labcorp Genetics (formerly Invitae), Labcorp); PubMed 28321846 (cited by Labcorp Genetics (formerly Invitae), Labcorp and Laboratory of Genetic Epidemiology, Research Centre for Medical Genetics); PubMed 9482572 (cited by Labcorp Genetics (formerly Invitae), Labcorp).